The following is an entry in ClinVar:

NR_003051.4(RMRP):n.154A>G

Gene: RMRP (RNA component of mitochondrial RNA processing endoribonuclease; minus strand). Cytogenetic location: 9p13.3.
Variant type: single nucleotide variant.
Genome position: GRCh38 VCF-style: chr9-35657866-T-C. GRCh37 (hg19) VCF-style: chr9-35657863-T-C.
Identifiers: ClinVar variation 551539 (VCV000551539.35), dbSNP rs1428585182, ClinGen allele CA464450687.

ClinVar aggregate classification (germline): Uncertain significance. Review status: criteria provided, multiple submitters, no conflicts (2 of 4 stars). 4 submissions from 4 submitters: Uncertain significance (3). 1 of the submissions does not count toward it. Last evaluated 2024-09-18.

Conditions:
Anauxetic dysplasia. Identifiers: Orphanet 93347, MedGen C1846796, MONDO:0011773.
Metaphyseal chondrodysplasia, McKusick type (CHH). Also called: Cartilage-Hair Hypoplasia (CHH); Cartilage-hair hypoplasia. Identifiers: Orphanet 175, MedGen C0220748, MONDO:0009595, OMIM 250250.
Anauxetic dysplasia 1 (ANXD1). Also called: Anauxetic Dysplasia (AD). Identifiers: Orphanet 93347, MedGen C4551965, MONDO:0054560, OMIM 607095.
Metaphyseal dysplasia without hypotrichosis. Also called: CARTILAGE-HAIR HYPOPLASIA VARIANT, SKELETAL MANIFESTATIONS ONLY; CARTILAGE-HAIR HYPOPLASIA-LIKE SKELETAL DYSPLASIA WITHOUT HYPOTRICHOSIS OR IMMUNODEFICIENCY; Metaphyseal Dysplasia without Hypotrichosis (MDWH). Identifiers: MedGen C1834821, MONDO:0009601, OMIM 250460.

Allele frequency attached by ClinVar (database versions not stated): gnomAD exomes below 0.00001; TOPMed below 0.00001.
gnomAD v4.1: 1 of 693,258 alleles (0.00014%); highest among the groups gnomAD compares: Non-Finnish European, 0.00026%; no homozygotes.

Submissions (4):

Labcorp Genetics (formerly Invitae), Labcorp
Classification: Uncertain significance for Anauxetic dysplasia. Last evaluated: 2024-09-18. Review status: criteria provided, single submitter. Criteria: Invitae Variant Classification Sherloc (09022015). Collection method: clinical testing. Allele origin: germline.
Comment: This variant occurs in the RMRP gene, which encodes an RNA molecule that does not result in a protein product. This variant is not present in population databases (gnomAD no frequency). This variant has been observed in individual(s) with cartilage-hair hypoplasia (PMID: 12107819). This variant is also known as 152G. ClinVar contains an entry for this variant (Variation ID: 551539). Experimental studies and prediction algorithms are not available or were not evaluated, and the functional significance of this variant is currently unknown. In summary, the available evidence is currently insufficient to determine the role of this variant in disease. Therefore, it has been classified as a Variant of Uncertain Significance.

CeGaT Center for Human Genetics Tuebingen
Classification: Uncertain significance. Last evaluated: 2022-07-01. Review status: criteria provided, single submitter. Criteria: CeGaT Center For Human Genetics Tuebingen Variant Classification Criteria Version 2. Collection method: clinical testing. Allele origin: germline. Affected: yes. Observed: 1 variant allele.
Comment: RMRP: PM2, PM3

Fulgent Genetics
Classification: Uncertain significance for Metaphyseal chondrodysplasia, McKusick type; Metaphyseal dysplasia without hypotrichosis; Anauxetic dysplasia 1. Last evaluated: 2021-10-07. Review status: criteria provided, single submitter. Criteria: ACMG Guidelines, 2015. Collection method: clinical testing. Allele origin: unknown.

Counsyl
Classification: Uncertain significance for Metaphyseal chondrodysplasia, McKusick type. Last evaluated: 2017-04-17. Review status: no assertion criteria provided. Collection method: clinical testing. Allele origin: unknown. Not counted in ClinVar's aggregate classification.

Literature cited by the submitters: PubMed 12107819 (cited by Labcorp Genetics (formerly Invitae), Labcorp and Counsyl).